The following is an entry in ClinVar:

NM_005876.5(SPEG):c.7388G>A (p.Arg2463Gln)

Genes: ASIC4-AS1 (ASIC4 antisense RNA 1; minus strand), SPEG (striated muscle enriched protein kinase; plus strand). Cytogenetic location: 2q35.
Variant type: single nucleotide variant.
Coding change: c.7388G>A on transcript NM_005876.5 (MANE Select); coding-DNA position 7388, G replaced by A.
Protein change: p.Arg2463Gln; replaces arginine 2463 with glutamine.
Molecular consequence: missense variant.
Genome position (GRCh38, 1-based): chr2:219,484,851, G>A. VCF-style: chr2-219484851-G-A. GRCh37 (hg19) VCF-style: chr2-220349573-G-A.
Other names: short protein forms R2463Q.
Identifiers: ClinVar variation 1494863 (VCV001494863.4), dbSNP rs1179324219, ClinGen allele CA350702238.
Genomic context (GRCh38, chr2:219,484,851, plus strand): 5'-GCTCGGCGCGGGGCTCCCCGGTGCTGGCGATGCGCAGGCGGCTGAGCTTCACCCTGGAGC[G>A]GCTGTCCAGCCGATTGCAGCGCAGTGGCAGCAGCGAGGACTCGGGGGGCGCGTCGGGCCG-3'
Protein context (NP_005867.3, residues 2453-2473): MRRRLSFTLE[Arg2463Gln]LSSRLQRSGS

ClinVar aggregate classification (germline): Uncertain significance (1 of 4 stars; one submission).

gnomAD v4.1: 2 of 1,519,800 alleles (0.00013%); highest among the groups gnomAD compares: Admixed American, 0.002%; no homozygotes.

Submission:

Labcorp Genetics (formerly Invitae), Labcorp
Classification: Uncertain significance. Last evaluated: 2025-12-16. Review status: criteria provided, single submitter. Criteria: Invitae Variant Classification Sherloc (09022015). Collection method: clinical testing. Allele origin: germline.
Comment: This sequence change replaces arginine, which is basic and polar, with glutamine, which is neutral and polar, at codon 2463 of the SPEG protein (p.Arg2463Gln). This variant is not present in population databases (gnomAD no frequency). This variant has not been reported in the literature in individuals affected with SPEG-related conditions. ClinVar contains an entry for this variant (Variation ID: 1494863). An algorithm developed to predict the effect of missense changes on protein structure and function (PolyPhen-2) suggests that this variant is likely to be disruptive. In summary, the available evidence is currently insufficient to determine the role of this variant in disease. Therefore, it has been classified as a Variant of Uncertain Significance.